The following is an entry in ClinVar:

ClinVar aggregate classification (germline): Uncertain significance (1 of 4 stars; one submission).

Conditions:
Pitt-Hopkins syndrome (PTHS). Also called: ENCEPHALOPATHY, SEVERE EPILEPTIC, WITH AUTONOMIC DYSFUNCTION; MENTAL RETARDATION, SYNDROMAL, WITH INTERMITTENT HYPERVENTILATION. Identifiers: Orphanet 2896, MedGen C1970431, MONDO:0012589, OMIM 610954.

Submission:

Labcorp Genetics (formerly Invitae), Labcorp
Classification: Uncertain significance for Pitt-Hopkins syndrome. Last evaluated: 2023-12-15. Review status: criteria provided, single submitter. Criteria: Invitae Variant Classification Sherloc (09022015). Collection method: clinical testing. Allele origin: germline.
Comment: This sequence change replaces alanine, which is neutral and non-polar, with valine, which is neutral and non-polar, at codon 314 of the TCF4 protein (p.Ala314Val). This variant is not present in population databases (gnomAD no frequency). This variant has not been reported in the literature in individuals affected with TCF4-related conditions. Advanced modeling of protein sequence and biophysical properties (such as structural, functional, and spatial information, amino acid conservation, physicochemical variation, residue mobility, and thermodynamic stability) performed at Invitae indicates that this missense variant is not expected to disrupt TCF4 protein function with a negative predictive value of 95%. In summary, the available evidence is currently insufficient to determine the role of this variant in disease. Therefore, it has been classified as a Variant of Uncertain Significance.

NM_001083962.2(TCF4):c.941C>T (p.Ala314Val)

Gene: TCF4 (transcription factor 4; minus strand). Cytogenetic location: 18q21.2.
Variant type: single nucleotide variant.
Coding change: c.941C>T on transcript NM_001083962.2 (MANE Select); coding-DNA position 941, C replaced by T.
Protein change: p.Ala314Val; replaces alanine 314 with valine.
Molecular consequence: missense variant.
Genome position (GRCh38, 1-based): chr18:55,261,515, G>A on the plus strand (C>T on the coding strand, the complement: TCF4 is on the minus strand). VCF-style: chr18-55261515-G-A. GRCh37 (hg19) VCF-style: chr18-52928746-G-A.
Other names: c.1247C>T, p.Ala416Val (NM_001243226.3); c.869C>T, p.Ala290Val (NM_001243227.2, NM_001306207.1, NM_001348217.1 and 9 more transcripts); c.959C>T, p.Ala320Val (NM_001243228.2); c.935C>T, p.Ala312Val (NM_001243230.2); c.815C>T, p.Ala272Val (NM_001243231.2, NM_001348211.2); c.728C>T, p.Ala243Val (NM_001243232.1, NM_001306208.1); c.551C>T, p.Ala184Val (NM_001243233.2, NM_001330605.3, NM_001348212.2 and 1 more transcripts); c.461C>T, p.Ala154Val (NM_001243234.2, NM_001243235.2, NM_001243236.2 and 2 more transcripts); and 4 more; short protein forms A184V, A243V, A154V, A272V, A289V, A312V, A314V, A416V.
Identifiers: ClinVar variation 2703403 (VCV002703403.3), dbSNP rs2512295597, ClinGen allele CA402535219.